The following is an entry in ClinVar:

ClinVar aggregate classification (germline): Conflicting classifications of pathogenicity. Review status: criteria provided, conflicting classifications (1 of 4 stars). 4 submissions from 4 submitters: Uncertain significance (3); Likely benign (1). Last evaluated 2024-04-13.

Conditions:
Hypogonadotropic hypogonadism 3 with or without anosmia (HH3). Also called: PROKR2-Related GnRH Deficiency (Kallmann Syndrome 3); HYPOGONADOTROPIC HYPOGONADISM 3 WITH ANOSMIA. Identifiers: Orphanet 478, MedGen C3550478, MONDO:0009482, OMIM 244200.

Allele frequency attached by ClinVar (database versions not stated): TOPMed 0.00006.
gnomAD v4.1: 179 of 1,614,018 alleles (0.011%); highest among the groups gnomAD compares: Non-Finnish European, 0.014%; no homozygotes.

Submissions (4):

Fulgent Genetics
Classification: Uncertain significance for Hypogonadotropic hypogonadism 3 with or without anosmia. Last evaluated: 2024-04-13. Review status: criteria provided, single submitter. Criteria: ACMG Guidelines, 2015. Collection method: clinical testing. Allele origin: germline.

Women's Health and Genetics/Laboratory Corporation of America, LabCorp
Classification: Uncertain significance. Last evaluated: 2023-05-18. Review status: criteria provided, single submitter. Criteria: LabCorp Variant Classification Summary - May 2015. Collection method: clinical testing. Allele origin: germline.
Comment: Variant summary: PROKR2 c.1111G>C (p.Gly371Arg) results in a non-conservative amino acid change in the encoded protein sequence. Four of five in-silico tools predict a benign effect of the variant on protein function. The variant allele was found at a frequency of 4.4e-05 in 251304 control chromosomes. c.1111G>C has been reported in the literature in an individual affected with sept-optic dysplasia and congenital hypopituitarism (McCabe_2013). These data do not allow any conclusion about variant significance. At least one publication reports experimental evidence evaluating an impact on protein function. These results showed no damaging effect of this variant (Cox_2018). The following publications have been ascertained in the context of this evaluation (PMID: 29161432, 23386640 ). Two clinical diagnostic laboratories have submitted clinical-significance assessments for this variant to ClinVar after 2014. One laboratory classified the variant as likely benign, and one laboratory classified the variant as uncertain significance. Based on the evidence outlined above, the variant was classified as uncertain significance.

GeneDx
Classification: Uncertain significance. Last evaluated: 2020-10-09. Review status: criteria provided, single submitter. Criteria: GeneDx Variant Classification Process June 2021. Collection method: clinical testing. Allele origin: germline. Affected: yes.
Comment: Identified in a patient with sept-optic dysplasia and congenital hypopituitarism in published literature (McCabe et al., 2013); In silico analysis supports that this missense variant does not alter protein structure/function; This variant is associated with the following publications: (PMID: 23312594, 23386640, 29161432, 26733480)

Illumina Laboratory Services, Illumina
Classification: Likely benign for Hypogonadotropic hypogonadism 3 with or without anosmia. Last evaluated: 2017-04-28. Review status: criteria provided, single submitter. Criteria: ICSL Variant Classification Criteria 13 December 2019. Collection method: clinical testing. Allele origin: germline.
Comment: This variant was observed as part of a predisposition screen in an ostensibly healthy population. A literature search was performed for the gene, cDNA change, and amino acid change (where applicable). Publications were found based on this search. The evidence from the literature, in combination with allele frequency data from public databases where available, was sufficient to determine this variant is unlikely to cause disease. Therefore, this variant is classified as likely benign.

Literature cited by the submitters: PubMed 29161432 (cited by Women's Health and Genetics/Laboratory Corporation of America, LabCorp); PubMed 23386640 (cited by Women's Health and Genetics/Laboratory Corporation of America, LabCorp and Illumina Laboratory Services, Illumina).

NM_144773.4(PROKR2):c.1111G>C (p.Gly371Arg)

Gene: PROKR2 (prokineticin receptor 2; minus strand). Cytogenetic location: 20p12.3.
Variant type: single nucleotide variant.
Coding change: c.1111G>C on transcript NM_144773.4 (MANE Select); coding-DNA position 1111, G replaced by C.
Protein change: p.Gly371Arg; replaces glycine 371 with arginine.
Molecular consequence: missense variant.
Genome position (GRCh38, 1-based): chr20:5,302,084, C>G on the plus strand (G>C on the coding strand, the complement: PROKR2 is on the minus strand). VCF-style: chr20-5302084-C-G. GRCh37 (hg19) VCF-style: chr20-5282730-C-G.
Other names: c.1111G>C (NM_144773.3); short protein forms G371R.
Identifiers: ClinVar variation 895676 (VCV000895676.7), dbSNP rs201023639, ClinGen allele CA9754196.
Genomic context (GRCh38, chr20:5,302,084, plus strand): 5'-GTGTGACACCAGTGGGTCACTTCAGCCTGATACAGTCCACCTCTTCTGTGGTGGGCACCC[C>G]GTTGGTTCTGAGGTCAAGGTCAGCACTGGACTTGCTCCCCCGCTGGGAGGGACGCCAGTG-3'
Protein context (NP_658986.1, residues 361-381): SSADLDLRTN[Gly371Arg]VPTTEEVDCI